The following is an entry in ClinVar:

NM_004519.4(KCNQ3):c.777+135A>G

Gene: KCNQ3 (potassium voltage-gated channel subfamily Q member 3; minus strand). Cytogenetic location: 8q24.22.
Variant type: single nucleotide variant.
Coding change: c.777+135A>G on transcript NM_004519.4 (MANE Select); 135 bases into the intron after coding-DNA position 777, A replaced by G.
Molecular consequence: intron variant.
Genome position (GRCh38, 1-based): chr8:132,180,022, T>C on the plus strand (A>G on the coding strand, the complement: KCNQ3 is on the minus strand). VCF-style: chr8-132180022-T-C. GRCh37 (hg19) VCF-style: chr8-133192269-T-C.
Other names: c.417+135A>G (NM_001204824.2).
Identifiers: ClinVar variation 682071 (VCV000682071.1), dbSNP rs41272383, ClinGen allele CA12798909.

ClinVar aggregate classification (germline): Benign (1 of 4 stars; one submission).

Allele frequency attached by ClinVar (database versions not stated): 1000 Genomes Project 30x 0.02327; 1000 Genomes Project 0.02416; TOPMed 0.04348; gnomAD 0.05117 and 0.05305; gnomAD exomes 0.05857.
gnomAD v4.1: 57,899 of 1,011,386 alleles (5.7%); highest among the groups gnomAD compares: Non-Finnish European, 6.8%; 1,980 homozygotes.

Submission:

GeneDx
Classification: Benign. Last evaluated: 2018-06-19. Review status: criteria provided, single submitter. Criteria: GeneDx Variant Classification (06012015). Collection method: clinical testing. Allele origin: germline. Affected: yes.
Comment: This variant is considered likely benign or benign based on one or more of the following criteria: it is a conservative change, it occurs at a poorly conserved position in the protein, it is predicted to be benign by multiple in silico algorithms, and/or has population frequency not consistent with disease.